The following is an entry in ClinVar:

NM_001267550.2(TTN):c.4741G>A (p.Gly1581Ser)

Genes: TTN (titin; minus strand), LOC101927055 (uncharacterized LOC101927055; plus strand). Cytogenetic location: 2q31.2.
Variant type: single nucleotide variant.
Coding change: c.4741G>A on transcript NM_001267550.2 (MANE Select); coding-DNA position 4741, G replaced by A.
Protein change: p.Gly1581Ser; replaces glycine 1581 with serine.
Molecular consequence: missense variant. On other transcripts: non-coding transcript variant (1).
Genome position (GRCh38, 1-based): chr2:178,777,222, C>T on the plus strand (G>A on the coding strand, the complement: TTN is on the minus strand). VCF-style: chr2-178777222-C-T. GRCh37 (hg19) VCF-style: chr2-179641949-C-T.
Other names: c.4741G>A, p.Gly1581Ser (NM_001256850.1, NM_133378.4, NM_133379.5); c.4603G>A, p.Gly1535Ser (NM_003319.4, NM_133432.3, NM_133437.4); short protein forms G1535S, G1581S.
Identifiers: ClinVar variation 1741836 (VCV001741836.2), dbSNP rs2532928181, ClinGen allele CA349461964.
Genomic context (GRCh38, chr2:178,777,222, plus strand): 5'-ATTTATGAGGCACAATGATGTCACTGTTTTTCAACCATACAATGTCAGGGTTGGGGTTAC[C>T]CGTAGCTCTGACTTTCATTTCAAGTCGGGAACCTTCCTTTATATTGACATTTTTCAGTTT-3'
Protein context (NP_001254479.2, residues 1571-1591): SRLEMKVRAT[Gly1581Ser]NPNPDIVWLK

ClinVar aggregate classification (germline): Uncertain significance (1 of 4 stars; one submission).

Conditions:
Cardiovascular phenotype. Identifiers: MedGen CN230736.

Submission:

Ambry Genetics
Classification: Uncertain significance for Cardiovascular phenotype. Last evaluated: 2017-12-16. Review status: criteria provided, single submitter. Criteria: Ambry Variant Classification Scheme 2023. Collection method: clinical testing. Allele origin: germline.
Comment: The p.G1535S variant (also known as c.4603G>A), located in coding exon 25 of the TTN gene, results from a G to A substitution at nucleotide position 4603. The glycine at codon 1535 is replaced by serine, an amino acid with similar properties. This amino acid position is highly conserved in available vertebrate species. In addition, the in silico prediction for this alteration is inconclusive. Since supporting evidence is limited at this time, the clinical significance of this alteration remains unclear.